The following is an entry in ClinVar:

NM_024757.5(EHMT1):c.1045G>A (p.Asp349Asn)

Gene: EHMT1 (euchromatic histone lysine methyltransferase 1; plus strand). Cytogenetic location: 9q34.3.
Variant type: single nucleotide variant.
Coding change: c.1045G>A on transcript NM_024757.5 (MANE Select); coding-DNA position 1045, G replaced by A.
Protein change: p.Asp349Asn; replaces aspartic acid 349 with asparagine.
Molecular consequence: missense variant.
Genome position (GRCh38, 1-based): chr9:137,743,965, G>A. VCF-style: chr9-137743965-G-A. GRCh37 (hg19) VCF-style: chr9-140638417-G-A.
Other names: c.1045G>A, p.Asp349Asn (NM_001145527.2, NM_001354611.2); c.952G>A, p.Asp318Asn (NM_001354259.2, NM_001354612.2); c.1024G>A, p.Asp342Asn (NM_001354263.2); short protein forms D318N, D349N, D342N.
Identifiers: ClinVar variation 4996137 (VCV004996137.1).
Genomic context (GRCh38, chr9:137,743,965, plus strand): 5'-GAGAAGGACCTGGGCGCCAGCAGCCTGCACGTGAATGGGGAGAGCCTGGAGATGGACTCG[G>A]ATGAGGACGACTCAGAGGAGCTCGAGGAGGACGACGGCCATGGTGCAGAGCAGGCGGCCG-3'
Protein context (NP_079033.4, residues 339-359): VNGESLEMDS[Asp349Asn]EDDSEELEED

ClinVar aggregate classification (germline): Uncertain significance (1 of 4 stars; one submission).

Conditions:
EHMT1-related disorder. Also called: EHMT1-related condition.

Submission:

PreventionGenetics, part of Exact Sciences
Classification: Uncertain significance for EHMT1-related condition. Last evaluated: 2026-01-20. Review status: criteria provided, single submitter. Criteria: ACMG Guidelines, 2015. Collection method: clinical testing. Allele origin: germline.
Comment: The EHMT1 c.1045G>A variant is predicted to result in the amino acid substitution p.Asp349Asn. To our knowledge, this variant has not been reported in the literature or in a large population database (gnomAD), indicating this variant is rare. At this time, the clinical significance of this variant is uncertain due to the absence of conclusive functional and genetic evidence.